The following is an entry in ClinVar:

ClinVar aggregate classification (germline): Uncertain significance (1 of 4 stars; one submission).

Allele frequency attached by ClinVar (database versions not stated): gnomAD exomes below 0.00001.
gnomAD v4.1: 1 of 1,611,068 alleles (0.000062%); highest among the groups gnomAD compares: Admixed American, 0.0017%; no homozygotes.

Submission:

Labcorp Genetics (formerly Invitae), Labcorp
Classification: Uncertain significance. Last evaluated: 2022-08-31. Review status: criteria provided, single submitter. Criteria: Invitae Variant Classification Sherloc (09022015). Collection method: clinical testing. Allele origin: germline.
Comment: This variant is not present in population databases (gnomAD no frequency). This variant has not been reported in the literature in individuals affected with TMPRSS15-related conditions. Algorithms developed to predict the effect of missense changes on protein structure and function output the following: SIFT: "Not Available"; PolyPhen-2: "Benign"; Align-GVGD: "Not Available". The serine amino acid residue is found in multiple mammalian species, which suggests that this missense change does not adversely affect protein function. In summary, the available evidence is currently insufficient to determine the role of this variant in disease. Therefore, it has been classified as a Variant of Uncertain Significance. This sequence change replaces asparagine, which is neutral and polar, with serine, which is neutral and polar, at codon 725 of the TMPRSS15 protein (p.Asn725Ser).

NM_002772.3(TMPRSS15):c.2174A>G (p.Asn725Ser)

Gene: TMPRSS15 (transmembrane serine protease 15; minus strand). Cytogenetic location: 21q21.1.
Variant type: single nucleotide variant.
Coding change: c.2174A>G on transcript NM_002772.3 (MANE Select); coding-DNA position 2174, A replaced by G.
Protein change: p.Asn725Ser; replaces asparagine 725 with serine.
Molecular consequence: missense variant.
Genome position (GRCh38, 1-based): chr21:18,297,821, T>C on the plus strand (A>G on the coding strand, the complement: TMPRSS15 is on the minus strand). VCF-style: chr21-18297821-T-C. GRCh37 (hg19) VCF-style: chr21-19670138-T-C.
Other names: short protein forms N725S.
Identifiers: ClinVar variation 2093973 (VCV002093973.4), dbSNP rs2074924402, ClinGen allele CA409848913.